The following is an entry in ClinVar:

NM_004628.5(XPC):c.784A>T (p.Ile262Phe)

Gene: XPC (XPC complex subunit, DNA damage recognition and repair factor; minus strand). Cytogenetic location: 3p25.1.
Variant type: single nucleotide variant.
Coding change: c.784A>T on transcript NM_004628.5 (MANE Select); coding-DNA position 784, A replaced by T.
Protein change: p.Ile262Phe; replaces isoleucine 262 with phenylalanine.
Molecular consequence: missense variant. On other transcripts: non-coding transcript variant (2).
Genome position (GRCh38, 1-based): chr3:14,164,929, T>A on the plus strand (A>T on the coding strand, the complement: XPC is on the minus strand). VCF-style: chr3-14164929-T-A. GRCh37 (hg19) VCF-style: chr3-14206429-T-A.
Other names: c.205A>T, p.Ile69Phe (NM_001354726.2); c.784A>T, p.Ile262Phe (NM_001354727.2, NM_001354730.2); c.766A>T, p.Ile256Phe (NM_001354729.2); short protein forms I262F, I256F, I69F.
Identifiers: ClinVar variation 3686764 (VCV003686764.2).

ClinVar aggregate classification (germline): Uncertain significance (1 of 4 stars; one submission).

gnomAD v4.1: 2 of 1,609,290 alleles (0.00012%); highest among the groups gnomAD compares: Non-Finnish European, 0.00017%; no homozygotes.

Submission:

Labcorp Genetics (formerly Invitae), Labcorp
Classification: Uncertain significance. Last evaluated: 2024-09-27. Review status: criteria provided, single submitter. Criteria: Invitae Variant Classification Sherloc (09022015). Collection method: clinical testing. Allele origin: germline.
Comment: This sequence change replaces isoleucine, which is neutral and non-polar, with phenylalanine, which is neutral and non-polar, at codon 262 of the XPC protein (p.Ile262Phe). This variant is not present in population databases (gnomAD no frequency). This variant has not been reported in the literature in individuals affected with XPC-related conditions. Invitae Evidence Modeling of protein sequence and biophysical properties (such as structural, functional, and spatial information, amino acid conservation, physicochemical variation, residue mobility, and thermodynamic stability) indicates that this missense variant is expected to disrupt XPC protein function with a positive predictive value of 80%. In summary, the available evidence is currently insufficient to determine the role of this variant in disease. Therefore, it has been classified as a Variant of Uncertain Significance.